The following is an entry in ClinVar:

NM_005961.3(MUC6):c.4566T>C (p.Pro1522=)

Gene: MUC6 (mucin 6, oligomeric mucus/gel-forming (gene/pseudogene); minus strand). Cytogenetic location: 11p15.5.
Variant type: single nucleotide variant.
Coding change: c.4566T>C on transcript NM_005961.3 (MANE Select); coding-DNA position 4566, T replaced by C.
Protein change: p.Pro1522=; no amino-acid change (proline 1522 retained).
Molecular consequence: synonymous variant.
Genome position (GRCh38, 1-based): chr11:1,018,235, A>G on the plus strand (T>C on the coding strand, the complement: MUC6 is on the minus strand). VCF-style: chr11-1018235-A-G. GRCh37 (hg19) VCF-style: chr11-1018235-A-G.
Identifiers: ClinVar variation 5041043 (VCV005041043.1).

ClinVar aggregate classification (germline): Likely benign (1 of 4 stars; one submission).

Submission:

CeGaT Center for Human Genetics Tuebingen
Classification: Likely benign. Last evaluated: 2026-09-01. Review status: criteria provided, single submitter. Criteria: CeGaT Center For Human Genetics Tuebingen Variant Classification Criteria Version 2. Collection method: clinical testing. Allele origin: germline. Affected: yes. Observed: 1 variant allele.
Comment: MUC6: BP4, BP7